The following is an entry in ClinVar:

ClinVar aggregate classification (germline): Uncertain significance (1 of 4 stars; one submission).

Allele frequency attached by ClinVar (database versions not stated): ExAC 0.00001; gnomAD exomes 0.00001; gnomAD 0.00003; TOPMed 0.00003.
gnomAD v4.1: 13 of 1,613,156 alleles (0.00081%); highest among the groups gnomAD compares: African/African-American, 0.0093%; no homozygotes.

Submission:

Labcorp Genetics (formerly Invitae), Labcorp
Classification: Uncertain significance. Last evaluated: 2022-04-25. Review status: criteria provided, single submitter. Criteria: Invitae Variant Classification Sherloc (09022015). Collection method: clinical testing. Allele origin: germline.
Comment: This sequence change replaces glutamic acid, which is acidic and polar, with lysine, which is basic and polar, at codon 2281 of the CACNA1B protein (p.Glu2281Lys). This variant is present in population databases (rs745875738, gnomAD 0.01%). This variant has not been reported in the literature in individuals affected with CACNA1B-related conditions. Advanced modeling of protein sequence and biophysical properties (such as structural, functional, and spatial information, amino acid conservation, physicochemical variation, residue mobility, and thermodynamic stability) performed at Invitae indicates that this missense variant is not expected to disrupt CACNA1B protein function. In summary, the available evidence is currently insufficient to determine the role of this variant in disease. Therefore, it has been classified as a Variant of Uncertain Significance.

NM_000718.4(CACNA1B):c.6841G>A (p.Glu2281Lys)

Gene: CACNA1B (calcium voltage-gated channel subunit alpha1 B; plus strand). Cytogenetic location: 9q34.3.
Variant type: single nucleotide variant.
Coding change: c.6841G>A on transcript NM_000718.4 (MANE Select); coding-DNA position 6841, G replaced by A.
Protein change: p.Glu2281Lys; replaces glutamic acid 2281 with lysine.
Molecular consequence: missense variant. On other transcripts: synonymous variant (1).
Genome position (GRCh38, 1-based): chr9:138,121,820, G>A. VCF-style: chr9-138121820-G-A. GRCh37 (hg19) VCF-style: chr9-141016272-G-A.
Other names: c.6654G>A, p.Ser2218= (NM_001243812.2); short protein forms E2281K.
Identifiers: ClinVar variation 1924587 (VCV001924587.2), dbSNP rs745875738, ClinGen allele CA5377821.
Genomic context (GRCh38, chr9:138,121,820, plus strand): 5'-GGGCAGCGTCTGGACAGTGAGGCCTCTGTCCACGCCCTGCCTGAGGACACTCTCACTTTC[G>A]AGGAGGCTGTGGCCACCAACTCGGGCCGCTCCTCCAGGACTTCCTACGTGTCCTCCCTGA-3'
Protein context (NP_000709.1, residues 2271-2291): HALPEDTLTF[Glu2281Lys]EAVATNSGRS